The following is an entry in ClinVar:

ClinVar aggregate classification (germline): Conflicting classifications of pathogenicity. Review status: criteria provided, conflicting classifications (1 of 4 stars). 2 submissions from 2 submitters: Uncertain significance (1); Likely benign (1). Last evaluated 2023-04-26.

Conditions:
Aortic aneurysm, familial thoracic 7 (AAT7). Also called: AORTIC DISSECTION, FAMILIAL, WITH OR WITHOUT AORTIC ANEURYSM. Identifiers: MedGen C3151077, MONDO:0013418, OMIM 613780.

Allele frequency attached by ClinVar (database versions not stated): gnomAD exomes 0.00001.
gnomAD v4.1: 15 of 1,613,496 alleles (0.00093%); highest among the groups gnomAD compares: Non-Finnish European, 0.0013%; no homozygotes.

Submissions (2):

Labcorp Genetics (formerly Invitae), Labcorp
Classification: Uncertain significance for Aortic aneurysm, familial thoracic 7. Last evaluated: 2023-04-26. Review status: criteria provided, single submitter. Criteria: Invitae Variant Classification Sherloc (09022015). Collection method: clinical testing. Allele origin: germline.
Comment: In summary, the available evidence is currently insufficient to determine the role of this variant in disease. Therefore, it has been classified as a Variant of Uncertain Significance. Variants that disrupt the consensus splice site are a relatively common cause of aberrant splicing (PMID: 17576681, 9536098). Algorithms developed to predict the effect of sequence changes on RNA splicing suggest that this variant is not likely to affect RNA splicing. ClinVar contains an entry for this variant (Variation ID: 838184). This variant has not been reported in the literature in individuals affected with MYLK-related conditions. This variant is not present in population databases (gnomAD no frequency). This sequence change falls in intron 5 of the MYLK gene. It does not directly change the encoded amino acid sequence of the MYLK protein. It affects a nucleotide within the consensus splice site.

GeneDx
Classification: Likely benign. Last evaluated: 2018-08-09. Review status: criteria provided, single submitter. Criteria: GeneDx Variant Classification Process June 2021. Collection method: clinical testing. Allele origin: germline. Affected: yes.

Literature cited by the submitters: PubMed 17576681 (cited by Labcorp Genetics (formerly Invitae), Labcorp); PubMed 9536098 (cited by Labcorp Genetics (formerly Invitae), Labcorp).

NM_053025.4(MYLK):c.373+6T>A

Gene: MYLK (myosin light chain kinase; minus strand). Cytogenetic location: 3q21.1.
Variant type: single nucleotide variant.
Coding change: c.373+6T>A on transcript NM_053025.4 (MANE Select); 6 bases into the intron after coding-DNA position 373, T replaced by A.
Molecular consequence: intron variant.
Genome position (GRCh38, 1-based): chr3:123,752,325, A>T on the plus strand (T>A on the coding strand, the complement: MYLK is on the minus strand). VCF-style: chr3-123752325-A-T. GRCh37 (hg19) VCF-style: chr3-123471172-A-T.
Other names: c.-155-12324T>A (NM_001321309.2); c.373+6T>A (NM_053028.4, NM_053026.4, NM_053027.4).
Identifiers: ClinVar variation 838184 (VCV000838184.11), dbSNP rs2063220564, ClinGen allele CA916082599.